The following is an entry in ClinVar:

NM_001375567.1(FOCAD):c.3230C>T (p.Pro1077Leu)

Gene: FOCAD (focadhesin; plus strand). Cytogenetic location: 9p21.3.
Variant type: single nucleotide variant.
Coding change: c.3230C>T on transcript NM_001375567.1 (MANE Select); coding-DNA position 3230, C replaced by T.
Protein change: p.Pro1077Leu; replaces proline 1077 with leucine.
Molecular consequence: missense variant.
Genome position (GRCh38, 1-based): chr9:20,929,509, C>T. VCF-style: chr9-20929509-C-T. GRCh37 (hg19) VCF-style: chr9-20929508-C-T.
Other names: c.3125C>T, p.Pro1042Leu (NM_001375568.1, NM_001375570.1); c.3230C>T, p.Pro1077Leu (NM_017794.5); short protein forms P1042L, P1077L.
Identifiers: ClinVar variation 4731274 (VCV004731274.1).

ClinVar aggregate classification (germline): Uncertain significance (1 of 4 stars; one submission).

Submission:

Labcorp Genetics (formerly Invitae), Labcorp
Classification: Uncertain significance. Last evaluated: 2025-11-16. Review status: criteria provided, single submitter. Criteria: Invitae Variant Classification Sherloc (09022015). Collection method: clinical testing. Allele origin: germline.
Comment: This sequence change replaces proline, which is neutral and non-polar, with leucine, which is neutral and non-polar, at codon 1077 of the FOCAD protein (p.Pro1077Leu). This variant is not present in population databases (gnomAD no frequency). This variant has not been reported in the literature in individuals affected with FOCAD-related conditions. Experimental studies and prediction algorithms are not available or were not evaluated, and the functional significance of this variant is currently unknown. In summary, the available evidence is currently insufficient to determine the role of this variant in disease. Therefore, it has been classified as a Variant of Uncertain Significance.